The following is an entry in ClinVar:

ClinVar aggregate classification (germline): Benign (0 of 4 stars; one submission).

Conditions:
LRP1B-related disorder. Also called: LRP1B-related condition.

Allele frequency attached by ClinVar (database versions not stated): gnomAD 0.00539; ESP Exome Variant Server 0.00600; TOPMed 0.00627; 1000 Genomes Project 30x 0.00671; 1000 Genomes Project 0.00739.
gnomAD v4.1: 1,701 of 1,604,190 alleles (0.11%); highest among the groups gnomAD compares: African/African-American, 1.9%; 21 homozygotes.

Submission:

PreventionGenetics, part of Exact Sciences
Classification: Benign for LRP1B-related condition. Last evaluated: 2019-02-18. Review status: no assertion criteria provided. Collection method: clinical testing. Allele origin: germline.
Comment: This variant is classified as benign based on ACMG/AMP sequence variant interpretation guidelines (Richards et al. 2015 PMID: 25741868, with internal and published modifications).

NM_018557.3(LRP1B):c.2985C>T (p.Asp995=)

Gene: LRP1B (LDL receptor related protein 1B; minus strand). Cytogenetic location: 2q22.1.
Variant type: single nucleotide variant.
Coding change: c.2985C>T on transcript NM_018557.3 (MANE Select); coding-DNA position 2985, C replaced by T.
Protein change: p.Asp995=; no amino-acid change (aspartic acid 995 retained).
Molecular consequence: synonymous variant.
Genome position (GRCh38, 1-based): chr2:140,950,386, G>A on the plus strand (C>T on the coding strand, the complement: LRP1B is on the minus strand). VCF-style: chr2-140950386-G-A. GRCh37 (hg19) VCF-style: chr2-141707955-G-A.
Identifiers: ClinVar variation 3037798 (VCV003037798.2), dbSNP rs114310880, ClinGen allele CA1895529.
Genomic context (GRCh38, chr2:140,950,386, plus strand): 5'-ACTGGAACATCTGAACTGATTATCAAAGCAAGAGTGAACACAGCCCACCTCATCACTCCC[G>A]TCCCCACAGTCGTCATCTGGAAAGAAACATCAACATGAGGCAGTGAAATCTGAACCATGA-3'
Protein context (NP_061027.2, residues 985-1005): WHCDSDDDCG[Asp995=]GSDEVGCVHS